The following is an entry in ClinVar:

ClinVar aggregate classification (germline): Pathogenic (1 of 4 stars; one submission).

Conditions:
Granulomatous disease, chronic, X-linked. Also called: CYTOCHROME b-NEGATIVE GRANULOMATOUS DISEASE, CHRONIC, X-LINKED; GRANULOMATOUS DISEASE, CHRONIC, X-LINKED, SOMATIC MOSAIC. Identifiers: Orphanet 379, MedGen C1844376, MONDO:0010600, OMIM 306400.

Submission:

Labcorp Genetics (formerly Invitae), Labcorp
Classification: Pathogenic for Granulomatous disease, chronic, X-linked. Last evaluated: 2019-09-22. Review status: criteria provided, single submitter. Criteria: Invitae Variant Classification Sherloc (09022015). Collection method: clinical testing. Allele origin: germline.
Comment: For these reasons, this variant has been classified as Pathogenic. Loss-of-function variants in CYBB are known to be pathogenic (PMID: 9585602, 20729109). This variant has been observed in an individual affected with clinical features of chronic granulomatous disease (PMID: 8634410). This variant may also be known as c.151del, c.152del, c.153del, or c.153+1del in the literature. This variant is not present in population databases (ExAC no frequency). This sequence change creates a premature translational stop signal (p.Ser48Glnfs*13) in the CYBB gene. It is expected to result in an absent or disrupted protein product.

Literature cited by the submitters: PubMed 9585602; PubMed 20729109; PubMed 8634410.

NM_000397.4(CYBB):c.141+1del

Gene: CYBB (cytochrome b-245 beta chain; plus strand). Cytogenetic location: Xp21.1.
Variant type: Deletion.
Coding change: c.141+1del on transcript NM_000397.4 (MANE Select); the canonical splice donor site of the intron after coding-DNA position 141, one base deleted (G; older notation c.141+1delG).
Molecular consequence: splice donor variant.
Genome position (GRCh38, 1-based): chrX:37,782,184, G deleted; the last of 4 consecutive G bases (chrX:37,782,181-37,782,184); deleting any one gives the same sequence. VCF-style (leftmost placement, unchanged base first): chrX-37782180-TG-T. GRCh37 (hg19) VCF-style: chrX-37641433-TG-T.
Identifiers: ClinVar variation 970762 (VCV000970762.8), dbSNP rs1928965951, ClinGen allele CA1139667385.